The following is an entry in ClinVar:

NM_003151.4(STAT4):c.1113-5_1113-4delinsCT

Gene: STAT4 (signal transducer and activator of transcription 4; minus strand). Cytogenetic location: 2q32.2.
Variant type: Indel.
Coding change: c.1113-5_1113-4delinsCT on transcript NM_003151.4 (MANE Select); 5 bases into the intron before coding-DNA position 1113 through 4 bases into the intron before coding-DNA position 1113, TC replaced by CT.
Molecular consequence: intron variant.
Genome position (GRCh38, 1-based): chr2:191,058,115-191,058,116, GA replaced by AG on the plus strand (TC replaced by CT on the coding strand, the reverse complement: STAT4 is on the minus strand). VCF-style: chr2-191058115-GA-AG. GRCh37 (hg19) VCF-style: chr2-191922841-GA-AG.
Other names: c.1113-5_1113-4delinsCT (NM_001243835.2).
Identifiers: ClinVar variation 3653678 (VCV003653678.2).

ClinVar aggregate classification (germline): Uncertain significance (1 of 4 stars; one submission).

Submission:

Labcorp Genetics (formerly Invitae), Labcorp
Classification: Uncertain significance. Last evaluated: 2024-07-04. Review status: criteria provided, single submitter. Criteria: Invitae Variant Classification Sherloc (09022015). Collection method: clinical testing. Allele origin: germline.
Comment: This sequence change falls in intron 12 of the STAT4 gene. It does not directly change the encoded amino acid sequence of the STAT4 protein. Information on the frequency of this variant in the gnomAD database is not available, as this variant may be reported differently in the database. This variant has not been reported in the literature in individuals affected with STAT4-related conditions. Experimental studies and prediction algorithms are not available or were not evaluated, and the effect of this variant on mRNA splicing is currently unknown. In summary, the available evidence is currently insufficient to determine the role of this variant in disease. Therefore, it has been classified as a Variant of Uncertain Significance.